The following is an entry in ClinVar:

ClinVar aggregate classification (germline): Uncertain significance (1 of 4 stars; one submission).

Conditions:
Adams-Oliver syndrome 5 (AOS5). Identifiers: Orphanet 974, MedGen C4014970, MONDO:0014459, OMIM 616028.

Submission:

Labcorp Genetics (formerly Invitae), Labcorp
Classification: Uncertain significance for Adams-Oliver syndrome 5. Last evaluated: 2019-06-29. Review status: criteria provided, single submitter. Criteria: Invitae Variant Classification Sherloc (09022015). Collection method: clinical testing. Allele origin: germline.
Comment: This variant is not present in population databases (ExAC no frequency). In summary, the available evidence is currently insufficient to determine the role of this variant in disease. Therefore, it has been classified as a Variant of Uncertain Significance. Algorithms developed to predict the effect of missense changes on protein structure and function output the following: SIFT: "Tolerated"; PolyPhen-2: "Benign"; Align-GVGD: "Class C0". The alanine amino acid residue is found in multiple mammalian species, suggesting that this missense change does not adversely affect protein function. These predictions have not been confirmed by published functional studies and their clinical significance is uncertain. This variant has not been reported in the literature in individuals with NOTCH1-related conditions. This sequence change replaces threonine with alanine at codon 586 of the NOTCH1 protein (p.Thr586Ala). The threonine residue is moderately conserved and there is a small physicochemical difference between threonine and alanine.

NM_017617.5(NOTCH1):c.1756A>G (p.Thr586Ala)

Gene: NOTCH1 (notch receptor 1; minus strand). Cytogenetic location: 9q34.3.
Variant type: single nucleotide variant.
Coding change: c.1756A>G on transcript NM_017617.5 (MANE Select); coding-DNA position 1756, A replaced by G.
Protein change: p.Thr586Ala; replaces threonine 586 with alanine.
Molecular consequence: missense variant.
Genome position (GRCh38, 1-based): chr9:136,515,630, T>C on the plus strand (A>G on the coding strand, the complement: NOTCH1 is on the minus strand). VCF-style: chr9-136515630-T-C. GRCh37 (hg19) VCF-style: chr9-139410082-T-C.
Other names: short protein forms T586A.
Identifiers: ClinVar variation 950596 (VCV000950596.9), dbSNP rs764854903, ClinGen allele CA375560093.
Genomic context (GRCh38, chr9:136,515,630, plus strand): 5'-CGTTGATGTTGGTCTCGCAGTGGTGGCCCGTGTAGCCTGGGCGGCAGAGGCAGGTGAAGG[T>C]GGCGACGCCGTCCTTGCAGGAGCCGTAGTGGCAGGGGTCGGGGTCGCACTCATCGATGTC-3'
Protein context (NP_060087.3, residues 576-596): HYGSCKDGVA[Thr586Ala]FTCLCRPGYT